The following is an entry in ClinVar:

ClinVar aggregate classification (germline): Uncertain significance. Review status: criteria provided, multiple submitters, no conflicts (2 of 4 stars). 4 submissions from 4 submitters: Uncertain significance (4). Last evaluated 2024-11-01.

Conditions:
Iodotyrosyl coupling defect (TDH3). Also called: THYROID HORMONOGENESIS, GENETIC DEFECT IN, 3; HYPOTHYROIDISM, CONGENITAL, DUE TO DYSHORMONOGENESIS, 3. Identifiers: Orphanet 95716, MedGen C0342194, MONDO:0010135, OMIM 274700.
Inborn genetic diseases. Identifiers: MedGen C0950123, MeSH D030342.
TG-related disorder. Also called: TG-related disorders; TG-related condition.

Allele frequency attached by ClinVar (database versions not stated): gnomAD exomes 0.00007; ExAC 0.00008; gnomAD 0.00011 and 0.00013; TOPMed 0.00015.
gnomAD v4.1: 162 of 1,614,206 alleles (0.01%); highest among the groups gnomAD compares: Middle Eastern, 0.97%; 3 homozygotes.

Submissions (4):

PreventionGenetics, part of Exact Sciences
Classification: Uncertain significance for TG-related condition. Last evaluated: 2024-11-01. Review status: criteria provided, single submitter. Criteria: ACMG Guidelines, 2015. Collection method: clinical testing. Allele origin: germline.
Comment: The TG c.1628C>G variant is predicted to result in the amino acid substitution p.Thr543Ser. To our knowledge, this variant has not been reported in the literature. This variant is reported in 0.014% of alleles in individuals of European (Non-Finnish) descent in gnomAD. At this time, the clinical significance of this variant is uncertain due to the absence of conclusive functional and genetic evidence.

Ambry Genetics
Classification: Uncertain significance for Inborn genetic diseases. Last evaluated: 2024-02-02. Review status: criteria provided, single submitter. Criteria: Ambry Variant Classification Scheme 2023. Collection method: clinical testing. Allele origin: germline.

Illumina Laboratory Services, Illumina
Classification: Uncertain significance for Iodotyrosyl coupling defect. Last evaluated: 2017-04-27. Review status: criteria provided, single submitter. Criteria: ICSL Variant Classification Criteria 13 December 2019. Collection method: clinical testing. Allele origin: germline.

Breakthrough Genomics
Classification: Uncertain significance. Review status: criteria provided, single submitter. Criteria: ACMG Guidelines, 2015. Collection method: not provided. Allele origin: germline. Inheritance: Autosomal recessive inheritance. Affected: yes.

NM_003235.5(TG):c.1628C>G (p.Thr543Ser)

Gene: TG (thyroglobulin; plus strand). Cytogenetic location: 8q24.22.
Variant type: single nucleotide variant.
Coding change: c.1628C>G on transcript NM_003235.5 (MANE Select); coding-DNA position 1628, C replaced by G.
Protein change: p.Thr543Ser; replaces threonine 543 with serine.
Molecular consequence: missense variant.
Genome position (GRCh38, 1-based): chr8:132,887,000, C>G. VCF-style: chr8-132887000-C-G. GRCh37 (hg19) VCF-style: chr8-133899245-C-G.
Other names: short protein forms T543S.
Identifiers: ClinVar variation 910818 (VCV000910818.9), dbSNP rs763864684, ClinGen allele CA4883219.
Genomic context (GRCh38, chr8:132,887,000, plus strand): 5'-CTGTGGGATTAGATTCAAATTCTTCCACAGGAACCCCTGAAGCTGCTAAGAAGGATGGTA[C>G]TATGAATAAGCCAACTGTGGGCAGCTTTGGCTTTGAAATTAACCTACAAGAGAACCAAAA-3'
Protein context (NP_003226.4, residues 533-553): GTPEAAKKDG[Thr543Ser]MNKPTVGSFG